The following is an entry in ClinVar:

NM_001387430.1(SH2B1):c.1498C>T (p.Pro500Ser)

Gene: SH2B1 (SH2B adaptor protein 1; plus strand). Cytogenetic location: 16p11.2.
Variant type: single nucleotide variant.
Coding change: c.1498C>T on transcript NM_001387430.1 (MANE Select); coding-DNA position 1498, C replaced by T.
Protein change: p.Pro500Ser; replaces proline 500 with serine.
Molecular consequence: missense variant.
Genome position (GRCh38, 1-based): chr16:28,871,968, C>T. VCF-style: chr16-28871968-C-T. GRCh37 (hg19) VCF-style: chr16-28883289-C-T.
Other names: c.1498C>T, p.Pro500Ser (NM_001145795.2, NM_001145796.2, NM_001145797.2 and 4 more transcripts); c.490C>T, p.Pro164Ser (NM_001308294.2); short protein forms P500S, P164S.
Identifiers: ClinVar variation 4981484 (VCV004981484.1).
Genomic context (GRCh38, chr16:28,871,968, plus strand): 5'-GAGGGACCCCCAACAGGGACAGTTCATCCCCTCTCAGCCCCCTACCCTCCCTTGGACACT[C>T]CGGAAACAGCCACAGGTACCGGAGGTGTGAGTGTGCATGTCTCCAGGCCTGGGTGCCTAC-3'
Protein context (NP_001374359.1, residues 490-510): LSAPYPPLDT[Pro500Ser]ETATGSFLFQ

ClinVar aggregate classification (germline): Uncertain significance (1 of 4 stars; one submission).

Conditions:
SH2B1-related disorder. Also called: SH2B1-related condition.

Submission:

PreventionGenetics, part of Exact Sciences
Classification: Uncertain significance for SH2B1-related condition. Last evaluated: 2024-11-25. Review status: criteria provided, single submitter. Criteria: ACMG Guidelines, 2015. Collection method: clinical testing. Allele origin: germline.
Comment: The SH2B1 c.1498C>T variant is predicted to result in the amino acid substitution p.Pro500Ser. To our knowledge, this variant has not been reported in the literature or in a large population database, indicating this variant is rare. At this time, the clinical significance of this variant is uncertain due to the absence of conclusive functional and genetic evidence.